The following is an entry in ClinVar:

ClinVar aggregate classification (germline): Benign/Likely benign. Review status: criteria provided, multiple submitters, no conflicts (2 of 4 stars). 5 submissions from 5 submitters: Benign (2); Likely benign (3). Last evaluated 2026-01-11.

Conditions:
Cardiac anomalies - developmental delay - facial dysmorphism syndrome (MRFACD). Also called: Impaired intellectual development and distinctive facial features with or without cardiac defects; MED13L Syndrome. Identifiers: Orphanet 369891, MedGen C5192431, MONDO:0014773, OMIM 616789.
Dextro-looped transposition of the great arteries. Also called: Dextrotransposition of the great arteries. Identifiers: Orphanet 860, MedGen C3531771, MONDO:0019443, OMIM 608808, HP:0031348.

Allele frequency attached by ClinVar (database versions not stated): gnomAD exomes 0.00025 and 0.00079; ExAC 0.00085; 1000 Genomes Project 30x 0.00156; 1000 Genomes Project 0.00160; gnomAD 0.00171 and 0.00182; TOPMed 0.00225; ESP Exome Variant Server 0.00261.
gnomAD v4.1: 658 of 1,613,978 alleles (0.041%); highest among the groups gnomAD compares: African/African-American, 0.47%; 2 homozygotes.

Submissions (5):

Labcorp Genetics (formerly Invitae), Labcorp
Classification: Benign for Dextro-looped transposition of the great arteries. Last evaluated: 2026-01-11. Review status: criteria provided, single submitter. Criteria: Invitae Variant Classification Sherloc (09022015). Collection method: clinical testing. Allele origin: germline.

CeGaT Center for Human Genetics Tuebingen
Classification: Likely benign. Last evaluated: 2025-03-01. Review status: criteria provided, single submitter. Criteria: CeGaT Center For Human Genetics Tuebingen Variant Classification Criteria Version 2. Collection method: clinical testing. Allele origin: germline. Affected: yes. Observed: 2 variant alleles.
Comment: MED13L: BP4, BP7, BS1

Blueprint Genetics
Classification: Likely benign. Last evaluated: 2024-10-11. Review status: criteria provided, single submitter. Criteria: ACMG Guidelines, 2015. Collection method: clinical testing. Allele origin: germline.

Fulgent Genetics
Classification: Likely benign for Cardiac anomalies - developmental delay - facial dysmorphism syndrome. Last evaluated: 2021-08-06. Review status: criteria provided, single submitter. Criteria: ACMG Guidelines, 2015. Collection method: clinical testing. Allele origin: unknown.

GeneDx
Classification: Benign. Last evaluated: 2020-01-29. Review status: criteria provided, single submitter. Criteria: GeneDx Variant Classification Process June 2021. Collection method: clinical testing. Allele origin: germline. Affected: yes.

NM_015335.5(MED13L):c.1215T>G (p.Pro405=)

Gene: MED13L (mediator complex subunit 13L; minus strand). Cytogenetic location: 12q24.21.
Variant type: single nucleotide variant.
Coding change: c.1215T>G on transcript NM_015335.5 (MANE Select); coding-DNA position 1215, T replaced by G.
Protein change: p.Pro405=; no amino-acid change (proline 405 retained).
Molecular consequence: synonymous variant.
Genome position (GRCh38, 1-based): chr12:116,012,862, A>C on the plus strand (T>G on the coding strand, the complement: MED13L is on the minus strand). VCF-style: chr12-116012862-A-C. GRCh37 (hg19) VCF-style: chr12-116450667-A-C.
Identifiers: ClinVar variation 241041 (VCV000241041.43), dbSNP rs147976467, ClinGen allele CA6811467.